The following is an entry in ClinVar:

ClinVar aggregate classification (germline): Uncertain significance (1 of 4 stars; one submission).

Conditions:
Hereditary cancer-predisposing syndrome. Also called: Neoplastic Syndromes, Hereditary; Tumor predisposition; Hereditary Cancer Syndrome; Hereditary neoplastic syndrome. Identifiers: Orphanet 140162, MedGen C0027672, MeSH D009386, MONDO:0015356.

Submission:

Ambry Genetics
Classification: Uncertain significance for Hereditary cancer-predisposing syndrome. Last evaluated: 2021-07-08. Review status: criteria provided, single submitter. Criteria: Ambry Variant Classification Scheme 2023. Collection method: clinical testing. Allele origin: germline.
Comment: The p.S1135T variant (also known as c.3403T>A), located in coding exon 17 of the BLM gene, results from a T to A substitution at nucleotide position 3403. The serine at codon 1135 is replaced by threonine, an amino acid with similar properties. This amino acid position is conserved. In addition, this alteration is predicted to be tolerated by in silico analysis. Since supporting evidence is limited at this time, the clinical significance of this alteration remains unclear.

NM_000057.4(BLM):c.3403T>A (p.Ser1135Thr)

Gene: BLM (BLM RecQ like helicase; plus strand). Cytogenetic location: 15q26.1.
Variant type: single nucleotide variant.
Coding change: c.3403T>A on transcript NM_000057.4 (MANE Select); coding-DNA position 3403, T replaced by A.
Protein change: p.Ser1135Thr; replaces serine 1135 with threonine.
Molecular consequence: missense variant. On other transcripts: intron variant (1).
Genome position (GRCh38, 1-based): chr15:90,803,565, T>A. VCF-style: chr15-90803565-T-A. GRCh37 (hg19) VCF-style: chr15-91346795-T-A.
Other names: c.3403T>A, p.Ser1135Thr (NM_001287246.2); c.2278T>A, p.Ser760Thr (NM_001287248.2); c.3358+5228T>A (NM_001287247.2); short protein forms S1135T, S760T.
Identifiers: ClinVar variation 1731101 (VCV001731101.2), dbSNP rs2505546862, ClinGen allele CA393847519.